The following is an entry in ClinVar:

NM_001267550.2(TTN):c.1507C>T (p.Gln503Ter)

Gene: TTN (titin; minus strand). Cytogenetic location: 2q31.2.
Variant type: single nucleotide variant.
Coding change: c.1507C>T on transcript NM_001267550.2 (MANE Select); coding-DNA position 1507, C replaced by T.
Protein change: p.Gln503Ter; replaces glutamine 503 with a stop codon.
Molecular consequence: nonsense.
Genome position (GRCh38, 1-based): chr2:178,793,433, G>A on the plus strand (C>T on the coding strand, the complement: TTN is on the minus strand). VCF-style: chr2-178793433-G-A. GRCh37 (hg19) VCF-style: chr2-179658160-G-A.
Other names: c.1507C>T, p.Gln503Ter (NM_001256850.1, NM_003319.4, NM_133378.4 and 3 more transcripts); short protein forms Q503*.
Identifiers: ClinVar variation 3233248 (VCV003233248.5), dbSNP rs2533988710.

ClinVar aggregate classification (germline): Pathogenic/Likely pathogenic. Review status: criteria provided, multiple submitters, no conflicts (2 of 4 stars). 4 submissions from 4 submitters: Pathogenic (1); Likely pathogenic (2). 1 of the submissions does not count toward it. Last evaluated 2026-02-26.

Conditions:
Cardiovascular phenotype. Identifiers: MedGen CN230736.
Centronuclear myopathy (CNM). Also called: Myotubular myopathy; Centronuclear myopathy, congenital. Identifiers: Orphanet 595, MedGen C0175709, MONDO:0018947. Inheritance: All.
TTN-related disorder. Also called: TTN-related condition; TTN-related disease; TTN-related disorders.
Dilated cardiomyopathy 1G (CMD1G). Identifiers: Orphanet 154, MedGen C1858763, MONDO:0011400, OMIM 604145.

Allele frequency attached by ClinVar (database versions not stated): gnomAD exomes below 0.00001.
gnomAD v4.1: 1 of 1,614,070 alleles (0.000062%); highest among the groups gnomAD compares: Non-Finnish European, 0.000085%; no homozygotes.

Submissions (4):

Molecular Diagnostic Laboratory for Inherited Cardiovascular Disease, Montreal Heart Institute
Classification: Pathogenic for Cardiovascular phenotype. Last evaluated: 2026-02-26. Review status: criteria provided, single submitter. Criteria: ACMG Guidelines, 2015. Collection method: clinical testing. Allele origin: germline. Affected: yes.
Comment: PVS1, PM2, PM3

Muscle and Diseases Team, Institut de Génétique et Biologie Moléculaire et Cellulaire
Classification: Likely pathogenic for Centronuclear myopathy. Last evaluated: 2024-03-01. Review status: criteria provided, single submitter. Criteria: ACMG Guidelines, 2015. Collection method: research. Allele origin: unknown. Affected: yes. Observed: 1 variant allele.
Comment: PVS1+PM2

Blueprint Genetics
Classification: Likely pathogenic for TTN-related disorders. Last evaluated: 2018-12-10. Review status: criteria provided, single submitter. Criteria: ACMG Guidelines, 2015. Collection method: clinical testing. Allele origin: germline. Affected: yes. Observed: 1 variant allele.

Cardiogenetics and Myogenetics Molecular and Cellular Functional Unit, Aphp Sorbonne University-Hopital Pitie Salpetriere
Classification: Pathogenic for Dilated cardiomyopathy 1G. Last evaluated: 2024-01-06. Review status: no assertion criteria provided. Collection method: clinical testing. Allele origin: germline. Affected: yes. Not counted in ClinVar's aggregate classification.

Literature cited by the submitters: DOI 10.1186/s13073-024-01353-0 (cited by Muscle and Diseases Team, Institut de Génétique et Biologie Moléculaire et Cellulaire).